The following is an entry in ClinVar:

ClinVar aggregate classification (germline): Likely benign (1 of 4 stars; one submission).

Submission:

CeGaT Center for Human Genetics Tuebingen
Classification: Likely benign. Last evaluated: 2025-12-01. Review status: criteria provided, single submitter. Criteria: CeGaT Center For Human Genetics Tuebingen Variant Classification Criteria Version 2. Collection method: clinical testing. Allele origin: germline. Affected: yes. Observed: 1 variant allele.
Comment: SMARCA2: BS2

NM_003070.5(SMARCA2):c.697_698insCGC (p.Gln232_Gln233insPro)

Gene: SMARCA2 (SWI/SNF related BAF chromatin remodeling complex subunit ATPase 2; plus strand). Cytogenetic location: 9p24.3.
Variant type: Insertion.
Coding change: c.697_698insCGC on transcript NM_003070.5 (MANE Select); coding-DNA positions 697 to 698, CGC inserted.
Protein change: p.Gln232_Gln233insPro.
Molecular consequence: inframe insertion.
Genome position: GRCh38 VCF-style: chr9-2039805-A-AGCC. GRCh37 (hg19) VCF-style: chr9-2039805-A-AGCC.
Other names: c.697_698insCGC, p.Gln232_Gln233insPro (NM_001289396.2, NM_001289397.2, NM_139045.4).
Identifiers: ClinVar variation 4821676 (VCV004821676.4).